The following is an entry in ClinVar:

ClinVar aggregate classification (germline): Pathogenic (1 of 4 stars; one submission).

Conditions:
CHARGE syndrome (CHARGE). Also called: Hittner Hirsch Kreh syndrome; Coloboma, heart anomaly, choanal atresia, retardation, genital and ear anomalies; CHARGE association; Hall-Hittner syndrome; CHARGE ASSOCIATION--COLOBOMA, HEART ANOMALY, CHOANAL ATRESIA, RETARDATION, GENITAL AND EAR ANOMALIES. Identifiers: Orphanet 138, MedGen C0265354, MONDO:0008965.

Submission:

Labcorp Genetics (formerly Invitae), Labcorp
Classification: Pathogenic for CHARGE syndrome. Last evaluated: 2018-05-18. Review status: criteria provided, single submitter. Criteria: Invitae Variant Classification Sherloc (09022015). Collection method: clinical testing. Allele origin: germline.
Comment: Loss-of-function variants in CHD7 are known to be pathogenic (PMID: 22461308, 25077900). This variant has not been reported in the literature in individuals with CHD7-related disease. This variant is not present in population databases (ExAC no frequency). This sequence change creates a premature translational stop signal (p.Asp1554Glufs*5) in the CHD7 gene. It is expected to result in an absent or disrupted protein product. For these reasons, this variant has been classified as Pathogenic.

Literature cited by the submitters: PubMed 22461308; PubMed 25077900.

NM_017780.4(CHD7):c.4662del (p.Asp1554fs)

Gene: CHD7 (chromodomain helicase DNA binding protein 7; plus strand). Cytogenetic location: 8q12.2.
Variant type: Deletion.
Coding change: c.4662del on transcript NM_017780.4 (MANE Select); coding-DNA position 4662, one base deleted (T; older notation c.4662delT).
Protein change: p.Asp1554fs; shifts the reading frame from aspartic acid 1554.
Molecular consequence: frameshift variant. On other transcripts: intron variant (1).
Genome position (GRCh38, 1-based): chr8:60,841,864, T deleted. VCF-style (leftmost placement, unchanged base first): chr8-60841863-AT-A. GRCh37 (hg19) VCF-style: chr8-61754422-AT-A.
Other names: c.1717-20365del (NM_001316690.1); short protein forms D1554fs.
Identifiers: ClinVar variation 581472 (VCV000581472.6), dbSNP rs1563648905, ClinGen allele CA891843137.
Genomic context (GRCh38, chr8:60,841,863, plus strand): 5'-CACTCTTTGAGAAATGTCAAATGTATCTCCTCTTTTATTATTAGAACAACCTGGTTATTG[AT>A]ACTCCAAGAGTGAGAAAGCAGACCAGGCTCTACAGTGCAGTGAAGGAAGATGAGCTGATG-3'